The following is an entry in ClinVar:

ClinVar aggregate classification (germline): Benign/Likely benign. Review status: criteria provided, multiple submitters, no conflicts (2 of 4 stars). 6 submissions from 6 submitters: Benign (2); Likely benign (4). Last evaluated 2026-05-21.

Conditions:
Hereditary cancer-predisposing syndrome. Also called: Hereditary neoplastic syndrome; Neoplastic Syndromes, Hereditary; Hereditary Cancer Syndrome; Tumor predisposition. Identifiers: Orphanet 140162, MedGen C0027672, MeSH D009386, MONDO:0015356.
Cardiovascular phenotype. Identifiers: MedGen CN230736.
Café-au-lait macules with pulmonary stenosis (WTSN). Also called: PULMONIC STENOSIS WITH CAFE-AU-LAIT SPOTS. Identifiers: MedGen C0553586, MONDO:0008672, OMIM 193520.
Neurofibromatosis-Noonan syndrome (NFNS). Also called: NEUROFIBROMATOSIS WITH NOONAN PHENOTYPE. Identifiers: Orphanet 638, MedGen C2931482, MONDO:0011035, OMIM 601321. Disease mechanism: loss of function.
Neurofibromatosis, familial spinal (FSNF). Identifiers: Orphanet 636, MedGen C1834235, MONDO:0008078, OMIM 162210. Disease mechanism: loss of function.
Juvenile myelomonocytic leukemia (JMML). Also called: LEUKEMIA, JUVENILE MYELOMONOCYTIC, SOMATIC. Identifiers: Orphanet 86834, MedGen C0349639, MONDO:0011908, OMIM 607785, HP:0012209.
Neurofibromatosis, type 1 (NF1). Also called: Peripheral type neurofibromatosis; Neurofibromatosis, type I; VON RECKLINGHAUSEN DISEASE; NEUROFIBROMATOSIS, TYPE I, SOMATIC. Identifiers: Orphanet 636, MedGen C0027831, MONDO:0018975, OMIM 162200. Disease mechanism: loss of function.

Allele frequency attached by ClinVar (database versions not stated): gnomAD 0.00001; gnomAD exomes 0.00002; ExAC 0.00003.
gnomAD v4.1: 32 of 1,614,016 alleles (0.002%); highest among the groups gnomAD compares: Non-Finnish European, 0.0025%; no homozygotes.

Submissions (6):

Myriad Genetics, Inc.
Classification: Benign for Neurofibromatosis, type 1. Last evaluated: 2026-05-21. Review status: criteria provided, single submitter. Criteria: Myriad Autosomal Dominant, Autosomal Recessive and X-Linked Classification Criteria (2023). Collection method: clinical testing. Allele origin: unknown.
Comment: This variant is considered benign. This variant is a silent/synonymous amino acid change and it is not expected to impact splicing.

Labcorp Genetics (formerly Invitae), Labcorp
Classification: Benign for Neurofibromatosis, type 1. Last evaluated: 2026-01-31. Review status: criteria provided, single submitter. Criteria: Invitae Variant Classification Sherloc (09022015). Collection method: clinical testing. Allele origin: germline.

Fulgent Genetics
Classification: Likely benign for Neurofibromatosis, type 1; Neurofibromatosis, familial spinal; Café-au-lait macules with pulmonary stenosis; Neurofibromatosis-Noonan syndrome; Juvenile myelomonocytic leukemia. Last evaluated: 2022-04-08. Review status: criteria provided, single submitter. Criteria: ACMG Guidelines, 2015. Collection method: clinical testing. Allele origin: unknown.

Genome-Nilou Lab
Classification: Likely benign for Neurofibromatosis, type 1. Last evaluated: 2022-03-15. Review status: criteria provided, single submitter. Criteria: ACMG Guidelines, 2015. Collection method: clinical testing. Allele origin: germline. Affected: no.

Sema4
Classification: Likely benign for Hereditary cancer-predisposing syndrome. Last evaluated: 2021-10-04. Review status: criteria provided, single submitter. Criteria: Sema4 Curation Guidelines. Collection method: curation. Allele origin: germline.

Ambry Genetics
Classification: Likely benign for Cardiovascular phenotype; Hereditary cancer-predisposing syndrome. Last evaluated: 2016-10-17. Review status: criteria provided, single submitter. Criteria: Ambry Variant Classification Scheme 2023. Collection method: clinical testing. Allele origin: germline.

NM_001042492.3(NF1):c.7533C>T (p.Val2511=)

Gene: NF1 (neurofibromin 1; plus strand). Cytogenetic location: 17q11.2.
Variant type: single nucleotide variant.
Coding change: c.7533C>T on transcript NM_001042492.3 (MANE Select); coding-DNA position 7533, C replaced by T.
Protein change: p.Val2511=; no amino-acid change (valine 2511 retained).
Molecular consequence: synonymous variant.
Genome position (GRCh38, 1-based): chr17:31,352,332, C>T. VCF-style: chr17-31352332-C-T. GRCh37 (hg19) VCF-style: chr17-29679350-C-T.
Other names: c.7470C>T, p.Val2490= (NM_000267.4).
Identifiers: ClinVar variation 457850 (VCV000457850.18), dbSNP rs760733171, ClinGen allele CA8487605.